The following is an entry in ClinVar:

NM_006947.4(SRP72):c.1694A>T (p.Asn565Ile)

Gene: SRP72 (signal recognition particle 72; plus strand). Cytogenetic location: 4q12.
Variant type: single nucleotide variant.
Coding change: c.1694A>T on transcript NM_006947.4 (MANE Select); coding-DNA position 1694, A replaced by T.
Protein change: p.Asn565Ile; replaces asparagine 565 with isoleucine.
Molecular consequence: missense variant. On other transcripts: non-coding transcript variant (1).
Genome position (GRCh38, 1-based): chr4:56,500,551, A>T. VCF-style: chr4-56500551-A-T. GRCh37 (hg19) VCF-style: chr4-57366717-A-T.
Other names: c.1511A>T, p.Asn504Ile (NM_001267722.2); short protein forms N504I, N565I.
Identifiers: ClinVar variation 4841448 (VCV004841448.1).

ClinVar aggregate classification (germline): Uncertain significance (1 of 4 stars; one submission).

gnomAD v4.1: 2 of 1,613,334 alleles (0.00012%); no homozygotes.

Submission:

Ambry Genetics
Classification: Uncertain significance. Last evaluated: 2025-12-21. Review status: criteria provided, single submitter. Criteria: Ambry Variant Classification Scheme 2023. Collection method: clinical testing. Allele origin: germline.
Comment: The p.N565I variant (also known as c.1694A>T), located in coding exon 18 of the SRP72 gene, results from an A to T substitution at nucleotide position 1694. The asparagine at codon 565 is replaced by isoleucine, an amino acid with dissimilar properties. This amino acid position is conserved. In addition, this alteration is predicted to be deleterious by in silico analysis. Based on the available evidence, the clinical significance of this variant remains unclear.